The following is an entry in ClinVar:

NM_015272.5(RPGRIP1L):c.2566del (p.Lys857fs)

Gene: RPGRIP1L (RPGRIP1 like; minus strand). Cytogenetic location: 16q12.2.
Variant type: Deletion.
Coding change: c.2566del on transcript NM_015272.5 (MANE Select); coding-DNA position 2566, one base deleted (C; older notation c.2566delC).
Protein change: p.Lys857fs; shifts the reading frame from lysine 857.
Molecular consequence: frameshift variant.
Genome position (GRCh38, 1-based): chr16:53,645,742, G deleted on the plus strand (C on the coding strand, the reverse complement: RPGRIP1L is on the minus strand); the first of 2 consecutive G bases (chr16:53,645,742-53,645,743); deleting either gives the same sequence. VCF-style (leftmost placement, unchanged base first): chr16-53645741-AG-A. GRCh37 (hg19) VCF-style: chr16-53679653-AG-A.
Other names: c.2566del, p.Lys857fs (NM_001127897.4, NM_001308334.3, NM_001330538.2); short protein forms K857fs.
Identifiers: ClinVar variation 2952128 (VCV002952128.3), dbSNP rs2544103122, ClinGen allele CA2740093351.

ClinVar aggregate classification (germline): Pathogenic (1 of 4 stars; one submission).

Conditions:
Joubert syndrome. Also called: CEREBELLOPARENCHYMAL DISORDER IV; JOUBERT-BOLTSHAUSER SYNDROME; Familial aplasia of the vermis. Identifiers: Orphanet 475, MedGen C5979921, MONDO:0018772.
Meckel-Gruber syndrome. Also called: DYSENCEPHALIA SPLANCHNOCYSTICA; GRUBER SYNDROME; Dysencephalia splachnocystica. Identifiers: Orphanet 564, MedGen C0265215, MONDO:0018921.

Submission:

Labcorp Genetics (formerly Invitae), Labcorp
Classification: Pathogenic for Joubert syndrome; Meckel-Gruber syndrome. Last evaluated: 2023-09-21. Review status: criteria provided, single submitter. Criteria: Invitae Variant Classification Sherloc (09022015). Collection method: clinical testing. Allele origin: germline.
Comment: This sequence change creates a premature translational stop signal (p.Lys857Serfs*5) in the RPGRIP1L gene. It is expected to result in an absent or disrupted protein product. Loss-of-function variants in RPGRIP1L are known to be pathogenic (PMID: 17558409). This variant is not present in population databases (gnomAD no frequency). This variant has not been reported in the literature in individuals affected with RPGRIP1L-related conditions. For these reasons, this variant has been classified as Pathogenic.

Literature cited by the submitters: PubMed 17558409.